The following is an entry in ClinVar:

ClinVar aggregate classification (germline): Benign/Likely benign. Review status: criteria provided, multiple submitters, no conflicts (2 of 4 stars). 6 submissions from 6 submitters: Benign (1); Likely benign (5). Last evaluated 2024-11-11.

Conditions:
Polycystic kidney disease, adult type (PKD1). Also called: Polycystic Kidney Disease 1, Autosomal Dominant; Polycystic kidney disease 1; Polycystic kidney disease 1, severe; POLYCYSTIC KIDNEY DISEASE, ADULT, TYPE I; POLYCYSTIC KIDNEY DISEASE 1 WITH OR WITHOUT POLYCYSTIC LIVER DISEASE; Polycystic Kidney, Autosomal Dominant. Identifiers: MedGen C3149841, MONDO:0008263, OMIM 173900.

Allele frequency attached by ClinVar (database versions not stated): gnomAD 0.00070 and 0.00073; gnomAD exomes 0.00074; TOPMed 0.00101; ExAC 0.00116; 1000 Genomes Project 0.00140; 1000 Genomes Project 30x 0.00141.
gnomAD v4.1: 640 of 1,521,040 alleles (0.042%); highest among the groups gnomAD compares: Middle Eastern, 0.14%; 1 homozygote.

Submissions (6):

Blueprint Genetics
Classification: Likely benign. Last evaluated: 2024-11-11. Review status: criteria provided, single submitter. Criteria: ACMG Guidelines, 2015. Collection method: clinical testing. Allele origin: germline.

CeGaT Center for Human Genetics Tuebingen
Classification: Likely benign. Last evaluated: 2024-04-01. Review status: criteria provided, single submitter. Criteria: CeGaT Center For Human Genetics Tuebingen Variant Classification Criteria Version 2. Collection method: clinical testing. Allele origin: germline. Affected: yes. Observed: 3 variant alleles.
Comment: PKD1: BP4, BP7

Fulgent Genetics
Classification: Likely benign for Polycystic kidney disease, adult type. Last evaluated: 2021-09-21. Review status: criteria provided, single submitter. Criteria: ACMG Guidelines, 2015. Collection method: clinical testing. Allele origin: unknown.

GeneDx
Classification: Likely benign. Last evaluated: 2021-05-11. Review status: criteria provided, single submitter. Criteria: GeneDx Variant Classification Process June 2021. Collection method: clinical testing. Allele origin: germline. Affected: yes.

Department of Pathology and Laboratory Medicine, Sinai Health System
Classification: Likely benign for Polycystic kidney disease, adult type. Last evaluated: 2019-12-18. Review status: criteria provided, single submitter. Criteria: ACMG Guidelines, 2015. Collection method: clinical testing. Allele origin: germline. Affected: yes.

Athena Diagnostics
Classification: Benign. Last evaluated: 2019-01-28. Review status: criteria provided, single submitter. Criteria: Athena Diagnostics Criteria. Collection method: clinical testing. Allele origin: germline.

NM_001009944.3(PKD1):c.1533C>T (p.Leu511=)

Gene: PKD1 (polycystin 1, transient receptor potential channel interacting; minus strand). Cytogenetic location: 16p13.3.
Variant type: single nucleotide variant.
Coding change: c.1533C>T on transcript NM_001009944.3 (MANE Select); coding-DNA position 1533, C replaced by T.
Protein change: p.Leu511=; no amino-acid change (leucine 511 retained).
Molecular consequence: synonymous variant.
Genome position (GRCh38, 1-based): chr16:2,116,906, G>A on the plus strand (C>T on the coding strand, the complement: PKD1 is on the minus strand). VCF-style: chr16-2116906-G-A. GRCh37 (hg19) VCF-style: chr16-2166907-G-A.
Other names: c.1533C>T, p.Leu511= (NM_000296.4).
Identifiers: ClinVar variation 805150 (VCV000805150.30), dbSNP rs570750726, ClinGen allele CA7833496.